The following is an entry in ClinVar:

NM_025233.7(COASY):c.1429G>A (p.Ala477Thr)

Gene: COASY (Coenzyme A synthase; plus strand). Cytogenetic location: 17q21.2.
Variant type: single nucleotide variant.
Coding change: c.1429G>A on transcript NM_025233.7 (MANE Select); coding-DNA position 1429, G replaced by A.
Protein change: p.Ala477Thr; replaces alanine 477 with threonine.
Molecular consequence: missense variant.
Genome position (GRCh38, 1-based): chr17:42,565,512, G>A. VCF-style: chr17-42565512-G-A. GRCh37 (hg19) VCF-style: chr17-40717530-G-A.
Other names: c.1429G>A, p.Ala477Thr (NM_001042529.3); c.1516G>A, p.Ala506Thr (NM_001042532.4); short protein forms A477T, A506T.
Identifiers: ClinVar variation 4082593 (VCV004082593.1).
Genomic context (GRCh38, chr17:42,565,512, plus strand): 5'-GACTGGGGTCTCCCCACAGGAAAGCGTGTGTGTGTGATTGATGCCGCTGTGTTGCTTGAA[G>A]CCGGCTGGCAGAACCTGGTCCATGAGGTGTGGACTGCTGTCATCCCAGAGACTGAGGTAT-3'
Protein context (NP_079509.5, residues 467-487): CVIDAAVLLE[Ala477Thr]GWQNLVHEVW

ClinVar aggregate classification (germline): Uncertain significance (1 of 4 stars; one submission).

Submission:

GeneDx
Classification: Uncertain significance. Last evaluated: 2025-03-14. Review status: criteria provided, single submitter. Criteria: GeneDx Variant Classification Process June 2021. Collection method: clinical testing. Allele origin: germline. Affected: yes.
Comment: Not observed at significant frequency in large population cohorts (gnomAD); In silico analysis supports that this missense variant has a deleterious effect on protein structure/function; Has not been previously published as pathogenic or benign to our knowledge; In silico analysis is inconclusive as to whether the variant alters gene splicing. In the absence of RNA/functional studies, the actual effect of this sequence change is unknown.